The following is an entry in ClinVar:

NM_001370259.2(MEN1):c.148G>A (p.Val50Ile)

Gene: MEN1 (menin 1; minus strand). Cytogenetic location: 11q13.1.
Variant type: single nucleotide variant.
Coding change: c.148G>A on transcript NM_001370259.2 (MANE Select); coding-DNA position 148, G replaced by A.
Protein change: p.Val50Ile; replaces valine 50 with isoleucine.
Molecular consequence: missense variant.
Genome position (GRCh38, 1-based): chr11:64,809,962, C>T on the plus strand (G>A on the coding strand, the complement: MEN1 is on the minus strand). VCF-style: chr11-64809962-C-T. GRCh37 (hg19) VCF-style: chr11-64577434-C-T.
Other names: c.148G>A, p.Val50Ile (NM_000244.4, NM_001370251.2, NM_001370260.2 and 9 more transcripts); short protein forms V50I.
Identifiers: ClinVar variation 857021 (VCV000857021.10), dbSNP rs1942011354, ClinGen allele CA381187798.

ClinVar aggregate classification (germline): Uncertain significance (1 of 4 stars; one submission).

Conditions:
Multiple endocrine neoplasia, type 1 (MEN1). Also called: MEN I; WERMER SYNDROME; MEA I; Endocrine adenomatosis multiple; MEN 1. Identifiers: Orphanet 652, MedGen C0025267, MeSH D018761, MONDO:0007540, OMIM 131100.

Allele frequency attached by ClinVar (database versions not stated): gnomAD exomes below 0.00001.

Submission:

Labcorp Genetics (formerly Invitae), Labcorp
Classification: Uncertain significance for Multiple endocrine neoplasia, type 1. Last evaluated: 2019-12-15. Review status: criteria provided, single submitter. Criteria: Invitae Variant Classification Sherloc (09022015). Collection method: clinical testing. Allele origin: germline.
Comment: In summary, the available evidence is currently insufficient to determine the role of this variant in disease. Therefore, it has been classified as a Variant of Uncertain Significance. Algorithms developed to predict the effect of missense changes on protein structure and function (SIFT, PolyPhen-2, Align-GVGD) all suggest that this variant is likely to be tolerated, but these predictions have not been confirmed by published functional studies and their clinical significance is uncertain. This variant has not been reported in the literature in individuals with MEN1-related conditions. This variant is not present in population databases (ExAC no frequency). This sequence change replaces valine with isoleucine at codon 50 of the MEN1 protein (p.Val50Ile). The valine residue is highly conserved and there is a small physicochemical difference between valine and isoleucine.